The following is an entry in ClinVar:

NM_002775.5(HTRA1):c.1323C>T (p.Ser441=)

Gene: HTRA1 (HtrA serine peptidase 1; plus strand). Cytogenetic location: 10q26.13.
Variant type: single nucleotide variant.
Coding change: c.1323C>T on transcript NM_002775.5 (MANE Select); coding-DNA position 1323, C replaced by T.
Protein change: p.Ser441=; no amino-acid change (serine 441 retained).
Molecular consequence: synonymous variant.
Genome position (GRCh38, 1-based): chr10:122,514,239, C>T. VCF-style: chr10-122514239-C-T. GRCh37 (hg19) VCF-style: chr10-124273755-C-T.
Other names: p.Ser441=.
Identifiers: ClinVar variation 1628196 (VCV001628196.11), dbSNP rs111580234, ClinGen allele CA5726155.
Genomic context (GRCh38, chr10:122,514,239, plus strand): 5'-TTTGTGTTGCAGTGGTGGTCTCAAGGAAAACGACGTCATAATCAGCATCAATGGACAGTC[C>T]GTGGTCTCCGCCAATGATGTCAGCGACGTCATTAAAAGGGAAAGCACCCTGAACATGGTG-3'
Protein context (NP_002766.1, residues 431-451): NDVIISINGQ[Ser441=]VVSANDVSDV

ClinVar aggregate classification (germline): Likely benign. Review status: criteria provided, multiple submitters, no conflicts (2 of 4 stars). 4 submissions from 4 submitters: Likely benign (4). Last evaluated 2026-08-01.

Allele frequency attached by ClinVar (database versions not stated): ExAC 0.00006; ESP Exome Variant Server 0.00008; gnomAD 0.00024 and 0.00026; TOPMed 0.00029; 1000 Genomes Project 0.00040; 1000 Genomes Project 30x 0.00047.
gnomAD v4.1: 92 of 1,614,004 alleles (0.0057%); highest among the groups gnomAD compares: African/African-American, 0.079%; no homozygotes.

Submissions (4):

CeGaT Center for Human Genetics Tuebingen
Classification: Likely benign. Last evaluated: 2026-08-01. Review status: criteria provided, single submitter. Criteria: CeGaT Center For Human Genetics Tuebingen Variant Classification Criteria Version 2. Collection method: clinical testing. Allele origin: germline. Affected: yes. Observed: 1 variant allele.
Comment: HTRA1: BP4, BP7

Labcorp Genetics (formerly Invitae), Labcorp
Classification: Likely benign. Last evaluated: 2025-05-14. Review status: criteria provided, single submitter. Criteria: Invitae Variant Classification Sherloc (09022015). Collection method: clinical testing. Allele origin: germline.

Mayo Clinic Laboratories, Mayo Clinic
Classification: Likely benign. Last evaluated: 2025-04-02. Review status: criteria provided, single submitter. Criteria: ACMG Guidelines, 2015. Collection method: clinical testing. Allele origin: germline. Observed: 1 variant allele.
Comment: BP4, BP7

Blueprint Genetics
Classification: Likely benign. Last evaluated: 2024-11-13. Review status: criteria provided, single submitter. Criteria: ACMG Guidelines, 2015. Collection method: clinical testing. Allele origin: germline.